The following is an entry in ClinVar:

NM_000257.4(MYH7):c.5790+113T>C

Gene: MYH7 (myosin heavy chain 7; minus strand). Cytogenetic location: 14q11.2.
Variant type: single nucleotide variant.
Coding change: c.5790+113T>C on transcript NM_000257.4 (MANE Select); 113 bases into the intron after coding-DNA position 5790, T replaced by C.
Molecular consequence: intron variant.
Genome position (GRCh38, 1-based): chr14:23,413,646, A>G on the plus strand (T>C on the coding strand, the complement: MYH7 is on the minus strand). VCF-style: chr14-23413646-A-G. GRCh37 (hg19) VCF-style: chr14-23882855-A-G.
Identifiers: ClinVar variation 671942 (VCV000671942.1), dbSNP rs2331979, ClinGen allele CA13987554.

ClinVar aggregate classification (germline): Benign (1 of 4 stars; one submission).

Allele frequency attached by ClinVar (database versions not stated): gnomAD exomes 0.35072; 1000 Genomes Project 0.35164; 1000 Genomes Project 30x 0.35868; gnomAD 0.42249 and 0.43797; TOPMed 0.43409.
gnomAD v4.1: 517,181 of 1,443,166 alleles (36%); highest among the groups gnomAD compares: African/African-American, 68%; 100,985 homozygotes.

Submission:

GeneDx
Classification: Benign. Last evaluated: 2018-06-14. Review status: criteria provided, single submitter. Criteria: GeneDx Variant Classification (06012015). Collection method: clinical testing. Allele origin: germline. Affected: yes.
Comment: This variant is considered likely benign or benign based on one or more of the following criteria: it is a conservative change, it occurs at a poorly conserved position in the protein, it is predicted to be benign by multiple in silico algorithms, and/or has population frequency not consistent with disease.